The following is an entry in ClinVar:

ClinVar aggregate classification (germline): Pathogenic/Likely pathogenic. Review status: criteria provided, multiple submitters, no conflicts (2 of 4 stars). 2 submissions from 2 submitters: Pathogenic (1); Likely pathogenic (1). Last evaluated 2023-12-06.

Conditions:
Dystonia 12 (DYT12). Also called: Rapid-Onset Dystonia-Parkinsonism (RDP); DYT-ATP1A3. Identifiers: Orphanet 71517, MedGen C1868681, MONDO:0007496, OMIM 128235.
Delayed speech and language development. Also called: Language delay. Identifiers: MedGen C0454644, HP:0000750.
Hemiplegia. Identifiers: MedGen C0018991, MONDO:0001170, HP:0002301.
Oculogyric crisis. Identifiers: MedGen C0085637, MONDO:0000483, HP:0010553.
Apnea. Identifiers: MedGen C0003578, HP:0002104.
Seizure. Also called: Seizures. Identifiers: MedGen C0036572, HP:0001250.

Submissions (2):

Labcorp Genetics (formerly Invitae), Labcorp
Classification: Pathogenic for Dystonia 12. Last evaluated: 2023-12-06. Review status: criteria provided, single submitter. Criteria: Invitae Variant Classification Sherloc (09022015). Collection method: clinical testing. Allele origin: germline.
Comment: This sequence change replaces alanine, which is neutral and non-polar, with proline, which is neutral and non-polar, at codon 320 of the ATP1A3 protein (p.Ala320Pro). This variant is not present in population databases (gnomAD no frequency). This missense change has been observed in individual(s) with ATP1A3-related conditions (PMID: 30392204). In at least one individual the variant was observed to be de novo. ClinVar contains an entry for this variant (Variation ID: 523558). Advanced modeling of protein sequence and biophysical properties (such as structural, functional, and spatial information, amino acid conservation, physicochemical variation, residue mobility, and thermodynamic stability) performed at Invitae indicates that this missense variant is expected to disrupt ATP1A3 protein function with a positive predictive value of 95%. This variant disrupts the p.Ala320 amino acid residue in ATP1A3. Other variant(s) that disrupt this residue have been determined to be pathogenic (PMID: 26993267, 31031587). This suggests that this residue is clinically significant, and that variants that disrupt this residue are likely to be disease-causing. For these reasons, this variant has been classified as Pathogenic.

Centre for Mendelian Genomics, University Medical Centre Ljubljana
Classification: Likely pathogenic for Apnea; Delayed speech and language development; Hemiplegia; Oculogyric crisis; Seizure. Last evaluated: 2017-01-01. Review status: criteria provided, single submitter. Criteria: ACMG Guidelines, 2015. Collection method: clinical testing. Allele origin: unknown. Affected: yes.

Literature cited by the submitters: PubMed 30392204 (cited by Labcorp Genetics (formerly Invitae), Labcorp); PubMed 26993267 (cited by Labcorp Genetics (formerly Invitae), Labcorp); PubMed 31031587 (cited by Labcorp Genetics (formerly Invitae), Labcorp).

NM_152296.5(ATP1A3):c.958G>C (p.Ala320Pro)

Gene: ATP1A3 (ATPase Na+/K+ transporting subunit alpha 3; minus strand). Cytogenetic location: 19q13.2.
Variant type: single nucleotide variant.
Coding change: c.958G>C on transcript NM_152296.5 (MANE Select); coding-DNA position 958, G replaced by C.
Protein change: p.Ala320Pro; replaces alanine 320 with proline.
Molecular consequence: missense variant.
Genome position (GRCh38, 1-based): chr19:41,984,953, C>G on the plus strand (G>C on the coding strand, the complement: ATP1A3 is on the minus strand). VCF-style: chr19-41984953-C-G. GRCh37 (hg19) VCF-style: chr19-42489105-C-G.
Other names: c.991G>C, p.Ala331Pro (NM_001256213.2); c.997G>C, p.Ala333Pro (NM_001256214.2); short protein forms A320P, A331P, A333P.
Identifiers: ClinVar variation 523558 (VCV000523558.6), dbSNP rs879255368, ClinGen allele CA406052217.